The following is an entry in ClinVar:

ClinVar aggregate classification (germline): Pathogenic/Likely pathogenic. Review status: criteria provided, multiple submitters, no conflicts (2 of 4 stars). 2 submissions from 2 submitters: Pathogenic (1); Likely pathogenic (1). Last evaluated 2025-05-14.

Conditions:
PHGDH deficiency. Identifiers: Orphanet 79351, MedGen C1866174, MONDO:0011152, OMIM 601815.

Allele frequency attached by ClinVar (database versions not stated): gnomAD exomes below 0.00001.

Submissions (2):

Natera, Inc.
Classification: Likely pathogenic for Phosphoglycerate dehydrogenase deficiency. Last evaluated: 2025-05-14. Review status: criteria provided, single submitter. Criteria: Natera Variant Classification Schema (03/2026). Collection method: clinical testing. Allele origin: germline.
Comment: The c.211C>T variant in PHGDH is a nonsense variant predicted to introduce a stop codon at amino acid 71. This variant is expected to result in nonsense mediated decay, truncation, or a dysfunctional protein product. This variant is rare in the general population with a frequency below the threshold expected for the associated phenotype(s). Given the available evidence, this variant is classified as Likely Pathogenic.

Labcorp Genetics (formerly Invitae), Labcorp
Classification: Pathogenic for PHGDH deficiency. Last evaluated: 2021-12-25. Review status: criteria provided, single submitter. Criteria: Invitae Variant Classification Sherloc (09022015). Collection method: clinical testing. Allele origin: germline.
Comment: For these reasons, this variant has been classified as Pathogenic. This variant has not been reported in the literature in individuals affected with PHGDH-related conditions. This variant is not present in population databases (gnomAD no frequency). This sequence change creates a premature translational stop signal (p.Gln71*) in the PHGDH gene. It is expected to result in an absent or disrupted protein product. Loss-of-function variants in PHGDH are known to be pathogenic (PMID: 14645240, 24836451).

Literature cited by the submitters: PubMed 14645240 (cited by Labcorp Genetics (formerly Invitae), Labcorp); PubMed 24836451 (cited by Labcorp Genetics (formerly Invitae), Labcorp).

NM_006623.4(PHGDH):c.211C>T (p.Gln71Ter)

Gene: PHGDH (phosphoglycerate dehydrogenase; plus strand). Cytogenetic location: 1p12.
Variant type: single nucleotide variant.
Coding change: c.211C>T on transcript NM_006623.4 (MANE Select); coding-DNA position 211, C replaced by T.
Protein change: p.Gln71Ter; replaces glutamine 71 with a stop codon.
Molecular consequence: nonsense.
Genome position (GRCh38, 1-based): chr1:119,721,242, C>T. VCF-style: chr1-119721242-C-T. GRCh37 (hg19) VCF-style: chr1-120263865-C-T.
Other names: c.211C>T (NM_006623.3); short protein forms Q71*.
Identifiers: ClinVar variation 2060595 (VCV002060595.6), dbSNP rs2464080054, ClinGen allele CA341847195.